The following is an entry in ClinVar:

ClinVar aggregate classification (germline): Conflicting classifications of pathogenicity. Review status: criteria provided, conflicting classifications (1 of 4 stars). 3 submissions from 3 submitters: Likely pathogenic (1); Uncertain significance (2). Last evaluated 2023-01-21.

Conditions:
Muscular dystrophy-dystroglycanopathy (congenital with impaired intellectual development), type B, 2. Also called: Muscular dystrophy-dystroglycanopathy (congenital with intellectual disability), type B2; MUSCULAR DYSTROPHY, CONGENITAL, POMT2-RELATED. Identifiers: MedGen C3150416, MONDO:0013160, OMIM 613156.
Muscular dystrophy-dystroglycanopathy (congenital with brain and eye anomalies), type A2. Also called: MUSCULAR DYSTROPHY-DYSTROGLYCANOPATHY (CONGENITAL WITH BRAIN AND EYE ANOMALIES), TYPE A, 2; WALKER-WARBURG SYNDROME OR MUSCLE-EYE-BRAIN DISEASE, POMT2-RELATED. Identifiers: Orphanet 588, Orphanet 899, MedGen C3150411, MONDO:0013154, OMIM 613150.
Autosomal recessive limb-girdle muscular dystrophy type 2N. Also called: Muscular dystrophy-dystroglycanopathy (limb-girdle), type C, 2; MUSCULAR DYSTROPHY-DYSTROGLYCANOPATHY, LIMB-GIRDLE, POMT2-RELATED. Identifiers: Orphanet 206559, MedGen C3150418, MONDO:0013162, OMIM 613158.

Allele frequency attached by ClinVar (database versions not stated): gnomAD exomes below 0.00001; TOPMed 0.00001.
gnomAD v4.1: 2 of 1,613,170 alleles (0.00012%); highest among the groups gnomAD compares: Non-Finnish European, 0.00017%; no homozygotes.

Submissions (3):

Women's Health and Genetics/Laboratory Corporation of America, LabCorp
Classification: Uncertain significance. Last evaluated: 2023-01-21. Review status: criteria provided, single submitter. Criteria: LabCorp Variant Classification Summary - May 2015. Collection method: clinical testing. Allele origin: germline.
Comment: Variant summary: POMT2 c.406T>C (p.Tyr136His) results in a conservative amino acid change located in the Glycosyl transferase domain (IPR003342) of the encoded protein sequence. Four of five in-silico tools predict a damaging effect of the variant on protein function. The variant was absent in 251470 control chromosomes (gnomAD). c.406T>C has been reported in the literature as a biallelic genotype in individuals affected with Limb-Girdle Muscular Dystrophy, Autosomal Recessive (e.g. Ostergaard_2018, Topf_2020, Barbosa-Gouveia_2022). These data indicate that the variant may be associated with disease. To our knowledge, no experimental evidence demonstrating an impact on protein function has been reported. One ClinVar submitter has assessed the variant since 2014: the variant was classified as uncertain significance. Based on the evidence outlined above, the variant was classified as VUS-possibly pathogenic.

Labcorp Genetics (formerly Invitae), Labcorp
Classification: Uncertain significance for Muscular dystrophy-dystroglycanopathy (congenital with impaired intellectual development), type B, 2; Muscular dystrophy-dystroglycanopathy (congenital with brain and eye anomalies), type A2; Autosomal recessive limb-girdle muscular dystrophy type 2N. Last evaluated: 2022-08-19. Review status: criteria provided, single submitter. Criteria: Invitae Variant Classification Sherloc (09022015). Collection method: clinical testing. Allele origin: germline.
Comment: This sequence change replaces tyrosine, which is neutral and polar, with histidine, which is basic and polar, at codon 136 of the POMT2 protein (p.Tyr136His). This variant is not present in population databases (gnomAD no frequency). This missense change has been observed in individual(s) with clinical features of POMT2-related conditions (PMID: 29175898, 30060766, 32528171). ClinVar contains an entry for this variant (Variation ID: 1058360). Algorithms developed to predict the effect of missense changes on protein structure and function are either unavailable or do not agree on the potential impact of this missense change (SIFT: "Tolerated"; PolyPhen-2: "Probably Damaging"; Align-GVGD: "Class C0"). In summary, the available evidence is currently insufficient to determine the role of this variant in disease. Therefore, it has been classified as a Variant of Uncertain Significance.

Clinical Genetics Service, Universitary Hospital 12 de Octubre
Classification: Likely pathogenic for Muscular dystrophy-dystroglycanopathy (congenital with impaired intellectual development), type B, 2. Review status: criteria provided, single submitter. Criteria: ACMG Guidelines, 2015. Collection method: clinical testing. Allele origin: germline. Affected: yes.

Literature cited by the submitters: PubMed 29175898 (cited by Women's Health and Genetics/Laboratory Corporation of America, LabCorp and Labcorp Genetics (formerly Invitae), Labcorp); PubMed 32528171 (cited by Women's Health and Genetics/Laboratory Corporation of America, LabCorp and Labcorp Genetics (formerly Invitae), Labcorp); PubMed 35628876 (cited by Women's Health and Genetics/Laboratory Corporation of America, LabCorp); PubMed 30060766 (cited by Labcorp Genetics (formerly Invitae), Labcorp).

NM_013382.7(POMT2):c.406T>C (p.Tyr136His)

Gene: POMT2 (protein O-mannosyltransferase 2; minus strand). Cytogenetic location: 14q24.3.
Variant type: single nucleotide variant.
Coding change: c.406T>C on transcript NM_013382.7 (MANE Select); coding-DNA position 406, T replaced by C.
Protein change: p.Tyr136His; replaces tyrosine 136 with histidine.
Molecular consequence: missense variant.
Genome position (GRCh38, 1-based): chr14:77,306,369, A>G on the plus strand (T>C on the coding strand, the complement: POMT2 is on the minus strand). VCF-style: chr14-77306369-A-G. GRCh37 (hg19) VCF-style: chr14-77772712-A-G.
Other names: c.406T>C (NM_013382.5); short protein forms Y136H.
Identifiers: ClinVar variation 1058360 (VCV001058360.9), dbSNP rs1891230114, ClinGen allele CA390520986.